The following is an entry in ClinVar:

ClinVar aggregate classification (germline): Uncertain significance. Review status: criteria provided, multiple submitters, no conflicts (2 of 4 stars). 2 submissions from 2 submitters: Uncertain significance (2). Last evaluated 2020-12-16.

Conditions:
Maturity-onset diabetes of the young (MODY). Also called: Maturity onset diabetes mellitus in young. Identifiers: Orphanet 552, MedGen C0342276, MONDO:0018911, HP:0004904.

Allele frequency attached by ClinVar (database versions not stated): gnomAD exomes below 0.00001.

Submissions (2):

Athena Diagnostics
Classification: Uncertain significance. Last evaluated: 2020-12-16. Review status: criteria provided, single submitter. Criteria: Athena Diagnostics criteria. Collection method: clinical testing. Allele origin: unknown.

Clinical Genomics, Uppaluri K&H Personalized Medicine Clinic
Classification: Uncertain significance for Maturity-onset diabetes of the young. Review status: criteria provided, single submitter. Criteria: K & H Uppaluri Personalized Medicine Clinic Variant Classification & Assertion Criteria_Updated V.1. Collection method: research. Allele origin: somatic. Inheritance: Autosomal dominant inheritance.
Comment: Mutations in KCNJ11 gene can cause decreased production and secretion of insulin. This can lead to MODY which may be responsive to oral sulfonylureas. It is also associated with Neonatal Diabetes. However, no sufficient evidence is found to ascertain the role of this particular variant (rs1953587696) in MODY yet.

Literature cited by the submitters: PubMed 16357843 (cited by Athena Diagnostics); PubMed 30386300 (cited by Athena Diagnostics); PubMed 26448950 (cited by Clinical Genomics, Uppaluri K&H Personalized Medicine Clinic); PubMed 15580558 (cited by Clinical Genomics, Uppaluri K&H Personalized Medicine Clinic); PubMed 15718250 (cited by Clinical Genomics, Uppaluri K&H Personalized Medicine Clinic); PubMed 32935446 (cited by Clinical Genomics, Uppaluri K&H Personalized Medicine Clinic); PubMed 22701567 (cited by Clinical Genomics, Uppaluri K&H Personalized Medicine Clinic).

NM_000525.4(KCNJ11):c.346T>C (p.Ser116Pro)

Gene: KCNJ11 (potassium inwardly rectifying channel subfamily J member 11; minus strand). Cytogenetic location: 11p15.1.
Variant type: single nucleotide variant.
Coding change: c.346T>C on transcript NM_000525.4 (MANE Select); coding-DNA position 346, T replaced by C.
Protein change: p.Ser116Pro; replaces serine 116 with proline.
Molecular consequence: missense variant.
Genome position (GRCh38, 1-based): chr11:17,387,746, A>G on the plus strand (T>C on the coding strand, the complement: KCNJ11 is on the minus strand). VCF-style: chr11-17387746-A-G. GRCh37 (hg19) VCF-style: chr11-17409293-A-G.
Other names: c.85T>C, p.Ser29Pro (NM_001166290.2, NM_001377296.1, NM_001377297.1); short protein forms S116P, S29P.
Identifiers: ClinVar variation 994911 (VCV000994911.3), dbSNP rs1953587696, ClinGen allele CA379774284.